The following is an entry in ClinVar:

NM_031475.3(ESPN):c.2206G>A (p.Val736Met)

Gene: ESPN (espin; plus strand). Cytogenetic location: 1p36.31.
Variant type: single nucleotide variant.
Coding change: c.2206G>A on transcript NM_031475.3 (MANE Select); coding-DNA position 2206, G replaced by A.
Protein change: p.Val736Met; replaces valine 736 with methionine.
Molecular consequence: missense variant.
Genome position (GRCh38, 1-based): chr1:6,451,977, G>A. VCF-style: chr1-6451977-G-A. GRCh37 (hg19) VCF-style: chr1-6512037-G-A.
Other names: c.2116G>A, p.Val706Met (NM_001367473.1); c.2143G>A, p.Val715Met (NM_001367474.1); short protein forms V706M, V715M, V736M.
Identifiers: ClinVar variation 4084486 (VCV004084486.9).

ClinVar aggregate classification (germline): Uncertain significance. Review status: criteria provided, multiple submitters, no conflicts (2 of 4 stars). 2 submissions from 2 submitters: Uncertain significance (2). Last evaluated 2025-08-01.

gnomAD v4.1: 61 of 1,609,678 alleles (0.0038%); highest among the groups gnomAD compares: Middle Eastern, 0.017%; 1 homozygote.

Submissions (2):

CeGaT Center for Human Genetics Tuebingen
Classification: Uncertain significance. Last evaluated: 2025-08-01. Review status: criteria provided, single submitter. Criteria: CeGaT Center For Human Genetics Tuebingen Variant Classification Criteria Version 2. Collection method: clinical testing. Allele origin: germline. Affected: yes. Observed: 1 variant allele.
Comment: ESPN: PP3

Blueprint Genetics
Classification: Uncertain significance. Last evaluated: 2024-09-13. Review status: criteria provided, single submitter. Criteria: ACMG Guidelines, 2015. Collection method: clinical testing. Allele origin: germline.